The following is an entry in ClinVar:

ClinVar aggregate classification (germline): Benign/Likely benign. Review status: criteria provided, multiple submitters, no conflicts (2 of 4 stars). 5 submissions from 5 submitters: Benign (3); Likely benign (2). Last evaluated 2026-01-26.

Conditions:
Hemolytic anemia due to adenylate kinase deficiency (CNSHA3). Also called: ANEMIA, CONGENITAL, NONSPHEROCYTIC HEMOLYTIC, 3. Identifiers: Orphanet 86817, MedGen C2675459, MONDO:0012967, OMIM 612631.

Allele frequency attached by ClinVar (database versions not stated): gnomAD exomes 0.00216 and 0.00506; ESP Exome Variant Server 0.00707; gnomAD 0.00726 and 0.00760; TOPMed 0.00742; ExAC 0.01059; 1000 Genomes Project 30x 0.01452; 1000 Genomes Project 0.01478.
gnomAD v4.1: 4,351 of 1,606,966 alleles (0.27%); highest among the groups gnomAD compares: South Asian, 2.5%; 74 homozygotes.

Submissions (5):

Labcorp Genetics (formerly Invitae), Labcorp
Classification: Benign. Last evaluated: 2026-01-26. Review status: criteria provided, single submitter. Criteria: Invitae Variant Classification Sherloc (09022015). Collection method: clinical testing. Allele origin: germline.

ARUP Laboratories, Molecular Genetics and Genomics, ARUP Laboratories
Classification: Benign for Hemolytic anemia due to adenylate kinase deficiency. Last evaluated: 2025-02-07. Review status: criteria provided, single submitter. Criteria: ARUP Molecular Germline Variant Investigation Process 2024. Collection method: clinical testing. Allele origin: germline.

Mayo Clinic Laboratories, Mayo Clinic
Classification: Benign. Last evaluated: 2022-06-09. Review status: criteria provided, single submitter. Criteria: ACMG Guidelines, 2015. Collection method: clinical testing. Allele origin: germline. Observed: 23 variant alleles.
Comment: BS1, BS2, BP4

Center for Pediatric Genomic Medicine, Children's Mercy Hospital and Clinics
Classification: Likely benign. Last evaluated: 2017-01-10. Review status: criteria provided, single submitter. Criteria: ACMG Guidelines, 2015. Collection method: clinical testing. Allele origin: germline.
ClinVar note: Converted during submission from Likely Benign to Likely benign.

Breakthrough Genomics
Classification: Likely benign. Review status: criteria provided, single submitter. Criteria: ACMG Guidelines, 2015. Collection method: not provided. Allele origin: germline. Inheritance: Autosomal recessive inheritance. Affected: yes.

NM_000476.3(AK1):c.484G>A (p.Ala162Thr)

Genes: AK1 (adenylate kinase 1; minus strand), ST6GALNAC4-ST6GALNAC6-AK1 (ST6GALNAC4-ST6GALNAC6-AK1 readthrough; minus strand). Cytogenetic location: 9q34.11.
Variant type: single nucleotide variant.
Coding change: c.484G>A on transcript NM_000476.3 (MANE Select); coding-DNA position 484, G replaced by A.
Protein change: p.Ala162Thr; replaces alanine 162 with threonine.
Molecular consequence: missense variant.
Genome position (GRCh38, 1-based): chr9:127,868,353, C>T on the plus strand (G>A on the coding strand, the complement: AK1 is on the minus strand). VCF-style: chr9-127868353-C-T. GRCh37 (hg19) VCF-style: chr9-130630632-C-T.
Other names: p.Ala162Thr; c.484G>A, p.Ala162Thr (NM_001318121.1); c.532G>A, p.Ala178Thr (NM_001318122.2); c.484G>A (NM_000476.2); short protein forms A162T, A178T.
Identifiers: ClinVar variation 376798 (VCV000376798.19), dbSNP rs35902264, ClinGen allele CA5253334.